The following is an entry in ClinVar:

NM_001166108.2(PALLD):c.1759G>A (p.Val587Met)

Gene: PALLD (palladin, cytoskeletal associated protein; plus strand). Cytogenetic location: 4q32.3.
Variant type: single nucleotide variant.
Coding change: c.1759G>A on transcript NM_001166108.2 (MANE Select); coding-DNA position 1759, G replaced by A.
Protein change: p.Val587Met; replaces valine 587 with methionine.
Molecular consequence: missense variant.
Genome position (GRCh38, 1-based): chr4:168,711,718, G>A. VCF-style: chr4-168711718-G-A. GRCh37 (hg19) VCF-style: chr4-169632869-G-A.
Other names: c.613G>A, p.Val205Met (NM_001166109.2); c.1759G>A, p.Val587Met (NM_016081.4); short protein forms V205M, V587M.
Identifiers: ClinVar variation 1779535 (VCV001779535.3), dbSNP rs1784855290, ClinGen allele CA358798153.

ClinVar aggregate classification (germline): Uncertain significance (1 of 4 stars; one submission).

Allele frequency attached by ClinVar (database versions not stated): gnomAD exomes 0.00002.
gnomAD v4.1: 9 of 1,614,160 alleles (0.00056%); highest among the groups gnomAD compares: East Asian, 0.02%; no homozygotes.

Submission:

Ambry Genetics
Classification: Uncertain significance. Last evaluated: 2024-06-24. Review status: criteria provided, single submitter. Criteria: Ambry Variant Classification Scheme 2023. Collection method: clinical testing. Allele origin: germline.
Comment: The p.V587M variant (also known as c.1759G>A), located in coding exon 9 of the PALLD gene, results from a G to A substitution at nucleotide position 1759. The valine at codon 587 is replaced by methionine, an amino acid with highly similar properties. This amino acid position is conserved. In addition, this alteration is predicted to be tolerated by in silico analysis. Since supporting evidence is limited at this time, the clinical significance of this alteration remains unclear.